The following is an entry in ClinVar:

NM_001009944.3(PKD1):c.12336C>T (p.Ala4112=)

Gene: PKD1 (polycystin 1, transient receptor potential channel interacting; minus strand). Cytogenetic location: 16p13.3.
Variant type: single nucleotide variant.
Coding change: c.12336C>T on transcript NM_001009944.3 (MANE Select); coding-DNA position 12336, C replaced by T.
Protein change: p.Ala4112=; no amino-acid change (alanine 4112 retained).
Molecular consequence: synonymous variant.
Genome position (GRCh38, 1-based): chr16:2,090,393, G>A on the plus strand (C>T on the coding strand, the complement: PKD1 is on the minus strand). VCF-style: chr16-2090393-G-A. GRCh37 (hg19) VCF-style: chr16-2140394-G-A.
Other names: c.12333C>T, p.Ala4111= (NM_000296.4).
Identifiers: ClinVar variation 3031192 (VCV003031192.3), dbSNP rs774821005, ClinGen allele CA7828680.

ClinVar aggregate classification (germline): Uncertain significance. Review status: criteria provided, single submitter (1 of 4 stars). 2 submissions from 2 submitters: Uncertain significance (1). 1 of the submissions does not count toward it. Last evaluated 2024-11-01.

Conditions:
PKD1-related disorder. Also called: PKD1-related condition.
Polycystic kidney disease, adult type (PKD1). Also called: POLYCYSTIC KIDNEY DISEASE 1 WITH OR WITHOUT POLYCYSTIC LIVER DISEASE; POLYCYSTIC KIDNEY DISEASE, ADULT, TYPE I; Polycystic Kidney Disease 1, Autosomal Dominant; Polycystic kidney disease 1; Polycystic kidney disease 1, severe; Polycystic Kidney, Autosomal Dominant. Identifiers: MedGen C3149841, MONDO:0008263, OMIM 173900.

Allele frequency attached by ClinVar (database versions not stated): gnomAD 0.00001; gnomAD exomes 0.00001; ExAC 0.00002; TOPMed 0.00002.

Submissions (2):

Department of Pathology and Laboratory Medicine, Sinai Health System
Classification: Uncertain significance for Polycystic kidney disease, adult type. Last evaluated: 2024-11-01. Review status: criteria provided, single submitter. Criteria: ACMG Guidelines, 2015. Collection method: clinical testing. Allele origin: germline.

PreventionGenetics, part of Exact Sciences
Classification: Likely benign for PKD1-related condition. Last evaluated: 2021-06-04. Review status: no assertion criteria provided. Collection method: clinical testing. Allele origin: germline. Not counted in ClinVar's aggregate classification.
Comment: This variant is classified as likely benign based on ACMG/AMP sequence variant interpretation guidelines (Richards et al. 2015 PMID: 25741868, with internal and published modifications).